The following is an entry in ClinVar:

NM_001453.3(FOXC1):c.78C>T (p.Tyr26=)

Gene: FOXC1 (forkhead box C1; plus strand). Cytogenetic location: 6p25.3.
Variant type: single nucleotide variant.
Coding change: c.78C>T on transcript NM_001453.3 (MANE Select); coding-DNA position 78, C replaced by T.
Protein change: p.Tyr26=; no amino-acid change (tyrosine 26 retained).
Molecular consequence: synonymous variant.
Genome position (GRCh38, 1-based): chr6:1,610,523, C>T. VCF-style: chr6-1610523-C-T. GRCh37 (hg19) VCF-style: chr6-1610758-C-T.
Other names: c.78C>T (NM_001453.2).
Identifiers: ClinVar variation 193208 (VCV000193208.38), dbSNP rs545478008, ClinGen allele CA238722.

ClinVar aggregate classification (germline): Conflicting classifications of pathogenicity. Review status: criteria provided, conflicting classifications (1 of 4 stars). 5 submissions from 5 submitters: Uncertain significance (1); Likely benign (3). 1 of the submissions does not count toward it. Last evaluated 2025-12-24.

Conditions:
FOXC1-related disorder. Also called: FOXC1-related condition.
Axenfeld-Rieger syndrome type 3 (RIEG3). Also called: AXENFELD-RIEGER ANOMALY WITH CARDIAC DEFECTS AND/OR SENSORINEURAL HEARING LOSS. Identifiers: Orphanet 782, MedGen C2678503, MONDO:0011233, OMIM 602482.

Allele frequency attached by ClinVar (database versions not stated): gnomAD exomes 0.00011 and 0.00020; TOPMed 0.00013; gnomAD 0.00014; ExAC 0.00058.

Submissions (5):

Labcorp Genetics (formerly Invitae), Labcorp
Classification: Likely benign for Axenfeld-Rieger syndrome type 3. Last evaluated: 2025-12-24. Review status: criteria provided, single submitter. Criteria: Invitae Variant Classification Sherloc (09022015). Collection method: clinical testing. Allele origin: germline.

Blueprint Genetics
Classification: Likely benign. Last evaluated: 2024-09-24. Review status: criteria provided, single submitter. Criteria: ACMG Guidelines, 2015. Collection method: clinical testing. Allele origin: germline.

CeGaT Center for Human Genetics Tuebingen
Classification: Likely benign. Last evaluated: 2023-04-01. Review status: criteria provided, single submitter. Criteria: CeGaT Center For Human Genetics Tuebingen Variant Classification Criteria Version 2. Collection method: clinical testing. Allele origin: germline. Affected: yes. Observed: 1 variant allele.
Comment: FOXC1: BP4, BP7

Eurofins Ntd Llc (ga)
Classification: Uncertain significance. Last evaluated: 2016-10-04. Review status: criteria provided, single submitter. Criteria: EGL Classification Definitions 2015. Collection method: clinical testing. Allele origin: germline. Observed: 2 variant alleles, 2 heterozygotes.

PreventionGenetics, part of Exact Sciences
Classification: Likely benign for FOXC1-related condition. Last evaluated: 2023-08-28. Review status: no assertion criteria provided. Collection method: clinical testing. Allele origin: germline. Not counted in ClinVar's aggregate classification.
Comment: This variant is classified as likely benign based on ACMG/AMP sequence variant interpretation guidelines (Richards et al. 2015 PMID: 25741868, with internal and published modifications).